The following is an entry in ClinVar:

ClinVar aggregate classification (germline): Uncertain significance. Review status: criteria provided, multiple submitters, no conflicts (2 of 4 stars). 2 submissions from 2 submitters: Uncertain significance (2). Last evaluated 2024-03-06.

Conditions:
Cardiomyopathy (CMYO). Also called: Cardiomyopathies. Identifiers: Orphanet 167848, MedGen C0878544, MONDO:0004994, HP:0001638. Inheritance: Various modes of inheritance.
Arrhythmogenic right ventricular dysplasia 9 (ARVD9). Also called: Arrhythmogenic Right Ventricular Dysplasia/Cardiomyopathy 9; ARRHYTHMOGENIC RIGHT VENTRICULAR DYSPLASIA, FAMILIAL, 9. Identifiers: MedGen C1836906, MONDO:0012180, OMIM 609040.

Allele frequency attached by ClinVar (database versions not stated): TOPMed below 0.00001.

Submissions (2):

Color Diagnostics, LLC DBA Color Health
Classification: Uncertain significance for Cardiomyopathy. Last evaluated: 2024-03-06. Review status: criteria provided, single submitter. Criteria: ACMG Guidelines, 2015. Collection method: clinical testing. Allele origin: germline.
Comment: This missense variant replaces lysine with arginine at codon 874 of the PKP2 protein. Computational prediction suggests that this variant may not impact protein structure and function (internally defined REVEL score threshold <= 0.5, PMID: 27666373). To our knowledge, functional studies have not been reported for this variant. This variant has not been reported in individuals affected with cardiovascular disorders in the literature. This variant has not been identified in the general population by the Genome Aggregation Database (gnomAD). The available evidence is insufficient to determine the role of this variant in disease conclusively. Therefore, this variant is classified as a Variant of Uncertain Significance.

Labcorp Genetics (formerly Invitae), Labcorp
Classification: Uncertain significance for Arrhythmogenic right ventricular dysplasia 9. Last evaluated: 2023-12-22. Review status: criteria provided, single submitter. Criteria: Invitae Variant Classification Sherloc (09022015). Collection method: clinical testing. Allele origin: germline.
Comment: This sequence change replaces lysine, which is basic and polar, with arginine, which is basic and polar, at codon 874 of the PKP2 protein (p.Lys874Arg). This variant is not present in population databases (gnomAD no frequency). This variant has not been reported in the literature in individuals affected with PKP2-related conditions. ClinVar contains an entry for this variant (Variation ID: 957066). An algorithm developed to predict the effect of missense changes on protein structure and function (PolyPhen-2) suggests that this variant is likely to be tolerated. In summary, the available evidence is currently insufficient to determine the role of this variant in disease. Therefore, it has been classified as a Variant of Uncertain Significance.

NM_001005242.3(PKP2):c.2489A>G (p.Lys830Arg)

Gene: PKP2 (plakophilin 2; minus strand). Cytogenetic location: 12p11.21.
Variant type: single nucleotide variant.
Coding change: c.2489A>G on transcript NM_001005242.3 (MANE Select); coding-DNA position 2489, A replaced by G.
Protein change: p.Lys830Arg; replaces lysine 830 with arginine.
Molecular consequence: missense variant.
Genome position (GRCh38, 1-based): chr12:32,792,449, T>C on the plus strand (A>G on the coding strand, the complement: PKP2 is on the minus strand). VCF-style: chr12-32792449-T-C. GRCh37 (hg19) VCF-style: chr12-32945383-T-C.
Other names: c.2621A>G, p.Lys874Arg (NM_004572.4); short protein forms K874R, K830R.
Identifiers: ClinVar variation 957066 (VCV000957066.11), dbSNP rs1956077369, ClinGen allele CA384356724.
Genomic context (GRCh38, chr12:32,792,449, plus strand): 5'-GGATTTTTGCAGCCGAGAATACTTTGTCATTTTCCTCAGTCTTTAAGGGAGTGGTAGGCT[T>C]TGGCAGTCCGGCTGTTGACAAAATCTGTCTTCTTAAACTGAGCCTTTGGAATAAGCAAAC-3'
Protein context (NP_001005242.2, residues 820-837): KTDFVNSRTA[Lys830Arg]AYHSLKD